The following is an entry in ClinVar:

NM_032043.3(BRIP1):c.1495C>T (p.Gln499Ter)

Gene: BRIP1 (BRCA1 interacting DNA helicase 1; minus strand). Cytogenetic location: 17q23.2.
Variant type: single nucleotide variant.
Coding change: c.1495C>T on transcript NM_032043.3 (MANE Select); coding-DNA position 1495, C replaced by T.
Protein change: p.Gln499Ter; replaces glutamine 499 with a stop codon.
Molecular consequence: nonsense.
Genome position (GRCh38, 1-based): chr17:61,784,403, G>A on the plus strand (C>T on the coding strand, the complement: BRIP1 is on the minus strand). VCF-style: chr17-61784403-G-A. GRCh37 (hg19) VCF-style: chr17-59861764-G-A.
Other names: short protein forms Q499*.
Identifiers: ClinVar variation 407807 (VCV000407807.28), dbSNP rs1060501739, ClinGen allele CA16615495.

ClinVar aggregate classification (germline): Pathogenic/Likely pathogenic. Review status: criteria provided, multiple submitters, no conflicts (2 of 4 stars). 6 submissions from 6 submitters: Pathogenic (5); Likely pathogenic (1). Last evaluated 2026-06-16.

Conditions:
Inherited ovarian cancer (without breast cancer).
Hereditary cancer-predisposing syndrome. Also called: Tumor predisposition; Hereditary neoplastic syndrome; Hereditary Cancer Syndrome; Neoplastic Syndromes, Hereditary. Identifiers: Orphanet 140162, MedGen C0027672, MeSH D009386, MONDO:0015356.
Fanconi anemia complementation group J. Also called: BRIP1-Related Fanconi Anemia. Identifiers: Orphanet 84, MedGen C1836860, MONDO:0012187, OMIM 609054.
Familial cancer of breast. Also called: hereditary breast carcinoma; BREAST CANCER, FAMILIAL; Hereditary breast cancer. Identifiers: Orphanet 227535, MedGen C0346153, MONDO:0016419, OMIM 114480. Disease mechanism: loss of function.

Submissions (6):

Ambry Genetics
Classification: Pathogenic for Hereditary cancer-predisposing syndrome. Last evaluated: 2026-06-16. Review status: criteria provided, single submitter. Criteria: Ambry Variant Classification Scheme 2023. Collection method: clinical testing. Allele origin: germline.
Comment: The p.Q499* pathogenic mutation (also known as c.1495C>T), located in coding exon 10 of the BRIP1 gene, results from a C to T substitution at nucleotide position 1495. This changes the amino acid from a glutamine to a stop codon within coding exon 10. This variant is considered to be rare based on population cohorts in the Genome Aggregation Database (gnomAD). This alteration is expected to result in loss of function by premature protein truncation or nonsense-mediated mRNA decay. As such, this alteration is interpreted as a disease-causing mutation.

Genetics Laboratory, Great Ormond Street Hospital NHS Foundation Trust, North Thames Genomic Laboratory Hub
Classification: Pathogenic for Inherited ovarian cancer (without breast cancer). Last evaluated: 2026-02-27. Review status: criteria provided, single submitter. Criteria: CanVIG Consensus Spec V3.0. Collection method: clinical testing. Allele origin: germline. Affected: yes.
Comment: PM2_moderate, PVS1_very-strong

Labcorp Genetics (formerly Invitae), Labcorp
Classification: Pathogenic for Familial cancer of breast; Fanconi anemia complementation group J. Last evaluated: 2025-12-30. Review status: criteria provided, single submitter. Criteria: Invitae Variant Classification Sherloc (09022015). Collection method: clinical testing. Allele origin: germline.
Comment: This sequence change creates a premature translational stop signal (p.Gln499*) in the BRIP1 gene. It is expected to result in an absent or disrupted protein product. Loss-of-function variants in BRIP1 are known to be pathogenic (PMID: 16116423, 17033622, 21964575). This variant is not present in population databases (gnomAD no frequency). This variant has not been reported in the literature in individuals affected with BRIP1-related conditions. ClinVar contains an entry for this variant (Variation ID: 407807). Algorithms developed to predict the effect of sequence changes on RNA splicing suggest that this variant may disrupt the consensus splice site. For these reasons, this variant has been classified as Pathogenic.

CeGaT Center for Human Genetics Tuebingen
Classification: Pathogenic. Last evaluated: 2024-08-01. Review status: criteria provided, single submitter. Criteria: CeGaT Center For Human Genetics Tuebingen Variant Classification Criteria Version 2. Collection method: clinical testing. Allele origin: germline. Affected: yes. Observed: 1 variant allele.
Comment: BRIP1: PVS1, PM2

Myriad Genetics, Inc.
Classification: Pathogenic for Familial cancer of breast. Last evaluated: 2023-06-02. Review status: criteria provided, single submitter. Criteria: Myriad Autosomal Dominant, Autosomal Recessive and X-Linked Classification Criteria (2023). Collection method: clinical testing. Allele origin: unknown.
Comment: This variant is considered pathogenic. This variant creates a termination codon and is predicted to result in premature protein truncation.

Baylor Genetics
Classification: Likely pathogenic for Familial cancer of breast. Last evaluated: 2023-01-03. Review status: criteria provided, single submitter. Criteria: ACMG Guidelines, 2015. Collection method: clinical testing. Allele origin: unknown.

Literature cited by the submitters: PubMed 16116423 (cited by Labcorp Genetics (formerly Invitae), Labcorp); PubMed 17033622 (cited by Labcorp Genetics (formerly Invitae), Labcorp); PubMed 21964575 (cited by Labcorp Genetics (formerly Invitae), Labcorp).